The following is an entry in ClinVar:

NM_001042492.3(NF1):c.586+4A>C

Gene: NF1 (neurofibromin 1; plus strand). Cytogenetic location: 17q11.2.
Variant type: single nucleotide variant.
Coding change: c.586+4A>C on transcript NM_001042492.3 (MANE Select); 4 bases into the intron after coding-DNA position 586, A replaced by C.
Molecular consequence: intron variant.
Genome position (GRCh38, 1-based): chr17:31,170,001, A>C. VCF-style: chr17-31170001-A-C. GRCh37 (hg19) VCF-style: chr17-29497019-A-C.
Other names: c.586+4A>C (NM_000267.4, NM_001128147.3).
Identifiers: ClinVar variation 3686858 (VCV003686858.2).

ClinVar aggregate classification (germline): Uncertain significance (1 of 4 stars; one submission).

Conditions:
Neurofibromatosis, type 1 (NF1). Also called: Peripheral type neurofibromatosis; Neurofibromatosis, type I; VON RECKLINGHAUSEN DISEASE; NEUROFIBROMATOSIS, TYPE I, SOMATIC. Identifiers: Orphanet 636, MedGen C0027831, MONDO:0018975, OMIM 162200. Disease mechanism: loss of function.

Submission:

Labcorp Genetics (formerly Invitae), Labcorp
Classification: Uncertain significance for Neurofibromatosis, type 1. Last evaluated: 2024-09-12. Review status: criteria provided, single submitter. Criteria: Invitae Variant Classification Sherloc (09022015). Collection method: clinical testing. Allele origin: germline.
Comment: This sequence change falls in intron 5 of the NF1 gene. It does not directly change the encoded amino acid sequence of the NF1 protein. It affects a nucleotide within the consensus splice site. This variant is not present in population databases (gnomAD no frequency). This variant has not been reported in the literature in individuals affected with NF1-related conditions. Variants that disrupt the consensus splice site are a relatively common cause of aberrant splicing (PMID: 17576681, 9536098). Algorithms developed to predict the effect of sequence changes on RNA splicing suggest that this variant is not likely to affect RNA splicing. In summary, the available evidence is currently insufficient to determine the role of this variant in disease. Therefore, it has been classified as a Variant of Uncertain Significance.

Literature cited by the submitters: PubMed 17576681; PubMed 9536098.